The following is an entry in ClinVar:

ClinVar aggregate classification (germline): Uncertain significance. Review status: criteria provided, multiple submitters, no conflicts (2 of 4 stars). 2 submissions from 2 submitters: Uncertain significance (2). Last evaluated 2024-08-15.

Conditions:
Mitochondrial complex II deficiency, nuclear type 1. Also called: SUCCINATE CoQ REDUCTASE DEFICIENCY. Identifiers: Orphanet 3208, MedGen C5700310, MONDO:0100294, OMIM 252011.
Pheochromocytoma/paraganglioma syndrome 5. Also called: Paragangliomas 5; SDHA-Related Hereditary Paraganglioma-Pheochromocytoma Syndrome. Identifiers: Orphanet 29072, MedGen C3279992, MONDO:0013602, OMIM 614165.
Hereditary cancer-predisposing syndrome. Also called: Neoplastic Syndromes, Hereditary; Tumor predisposition; Hereditary neoplastic syndrome; Hereditary Cancer Syndrome. Identifiers: Orphanet 140162, MedGen C0027672, MeSH D009386, MONDO:0015356.

Allele frequency attached by ClinVar (database versions not stated): gnomAD exomes below 0.00001; TOPMed below 0.00001; ExAC 0.00001; gnomAD 0.00001; ESP Exome Variant Server 0.00008.
gnomAD v4.1: 1 of 1,613,880 alleles (0.000062%); highest among the groups gnomAD compares: Non-Finnish European, 0.000085%; no homozygotes.

Submissions (2):

Ambry Genetics
Classification: Uncertain significance for Hereditary cancer-predisposing syndrome. Last evaluated: 2024-08-15. Review status: criteria provided, single submitter. Criteria: Ambry Variant Classification Scheme 2023. Collection method: clinical testing. Allele origin: germline.
Comment: The p.C287W variant (also known as c.861C>G), located in coding exon 7 of the SDHA gene, results from a C to G substitution at nucleotide position 861. The cysteine at codon 287 is replaced by tryptophan, an amino acid with highly dissimilar properties. This amino acid position is highly conserved in available vertebrate species. In addition, the in silico prediction for this alteration is inconclusive. Based on the available evidence, the clinical significance of this variant remains unclear.

Labcorp Genetics (formerly Invitae), Labcorp
Classification: Uncertain significance for Pheochromocytoma/paraganglioma syndrome 5; Mitochondrial complex II deficiency, nuclear type 1. Last evaluated: 2022-10-05. Review status: criteria provided, single submitter. Criteria: Invitae Variant Classification Sherloc (09022015). Collection method: clinical testing. Allele origin: germline.
Comment: In summary, the available evidence is currently insufficient to determine the role of this variant in disease. Therefore, it has been classified as a Variant of Uncertain Significance. Advanced modeling of protein sequence and biophysical properties (such as structural, functional, and spatial information, amino acid conservation, physicochemical variation, residue mobility, and thermodynamic stability) performed at Invitae indicates that this missense variant is not expected to disrupt SDHA protein function. ClinVar contains an entry for this variant (Variation ID: 581809). This variant has not been reported in the literature in individuals affected with SDHA-related conditions. This variant is not present in population databases (gnomAD no frequency). This sequence change replaces cysteine, which is neutral and slightly polar, with tryptophan, which is neutral and slightly polar, at codon 287 of the SDHA protein (p.Cys287Trp).

NM_004168.4(SDHA):c.861C>G (p.Cys287Trp)

Gene: SDHA (succinate dehydrogenase complex flavoprotein subunit A; plus strand). Cytogenetic location: 5p15.33.
Variant type: single nucleotide variant.
Coding change: c.861C>G on transcript NM_004168.4 (MANE Select); coding-DNA position 861, C replaced by G.
Protein change: p.Cys287Trp; replaces cysteine 287 with tryptophan.
Molecular consequence: missense variant.
Genome position (GRCh38, 1-based): chr5:230,966, C>G. VCF-style: chr5-230966-C-G. GRCh37 (hg19) VCF-style: chr5-231081-C-G.
Other names: c.717C>G, p.Cys239Trp (NM_001294332.2); c.861C>G, p.Cys287Trp (NM_001330758.2); short protein forms C287W, C239W.
Identifiers: ClinVar variation 581809 (VCV000581809.12), dbSNP rs140797184, ClinGen allele CA3173010.